The following is an entry in ClinVar:

NM_005506.4(SCARB2):c.515C>T (p.Thr172Ile)

Gene: SCARB2 (scavenger receptor class B member 2; minus strand). Cytogenetic location: 4q21.1.
Variant type: single nucleotide variant.
Coding change: c.515C>T on transcript NM_005506.4 (MANE Select); coding-DNA position 515, C replaced by T.
Protein change: p.Thr172Ile; replaces threonine 172 with isoleucine.
Molecular consequence: missense variant. On other transcripts: intron variant (1).
Genome position (GRCh38, 1-based): chr4:76,179,614, G>A on the plus strand (C>T on the coding strand, the complement: SCARB2 is on the minus strand). VCF-style: chr4-76179614-G-A. GRCh37 (hg19) VCF-style: chr4-77100767-G-A.
Other names: c.276-3704C>T (NM_001204255.2); short protein forms T172I.
Identifiers: ClinVar variation 641570 (VCV000641570.9), dbSNP rs557392749, ClinGen allele CA2970317.

ClinVar aggregate classification (germline): Uncertain significance. Review status: criteria provided, multiple submitters, no conflicts (2 of 4 stars). 2 submissions from 2 submitters: Uncertain significance (2). Last evaluated 2024-09-10.

Conditions:
Inborn genetic diseases. Identifiers: MedGen C0950123, MeSH D030342.
Progressive myoclonic epilepsy. Also called: Familial progressive myoclonic epilepsy; Myoclonus epilepsy; Progressive myoclonus epilepsy; Myoclonic Epilepsies, Progressive. Identifiers: Orphanet 308, Orphanet 98261, MedGen C0751778, MONDO:0020074.

Allele frequency attached by ClinVar (database versions not stated): gnomAD 0.00002 and 0.00005; gnomAD exomes 0.00005 and 0.00009; ExAC 0.00008; TOPMed 0.00011; 1000 Genomes Project 30x 0.00016; 1000 Genomes Project 0.00020.
gnomAD v4.1: 74 of 1,613,918 alleles (0.0046%); highest among the groups gnomAD compares: East Asian, 0.16%; no homozygotes.

Submissions (2):

Ambry Genetics
Classification: Uncertain significance for Inborn genetic diseases. Last evaluated: 2024-09-10. Review status: criteria provided, single submitter. Criteria: Ambry Variant Classification Scheme 2023. Collection method: clinical testing. Allele origin: germline.

Labcorp Genetics (formerly Invitae), Labcorp
Classification: Uncertain significance for Progressive myoclonic epilepsy. Last evaluated: 2022-08-15. Review status: criteria provided, single submitter. Criteria: Invitae Variant Classification Sherloc (09022015). Collection method: clinical testing. Allele origin: germline.
Comment: This sequence change replaces threonine, which is neutral and polar, with isoleucine, which is neutral and non-polar, at codon 172 of the SCARB2 protein (p.Thr172Ile). This variant is present in population databases (rs557392749, gnomAD 0.1%). This variant has not been reported in the literature in individuals affected with SCARB2-related conditions. ClinVar contains an entry for this variant (Variation ID: 641570). Algorithms developed to predict the effect of missense changes on protein structure and function are either unavailable or do not agree on the potential impact of this missense change (SIFT: "Deleterious"; PolyPhen-2: "Probably Damaging"; Align-GVGD: "Class C15"). In summary, the available evidence is currently insufficient to determine the role of this variant in disease. Therefore, it has been classified as a Variant of Uncertain Significance.

Literature cited by the submitters: PubMed 38898598 (cited by Ambry Genetics).